The following is an entry in ClinVar:

ClinVar aggregate classification (germline): Likely pathogenic (1 of 4 stars; one submission).

Conditions:
Intellectual developmental disorder, autosomal dominant 47. Also called: Intellectual disability, autosomal dominant 47; MENTAL RETARDATION, AUTOSOMAL DOMINANT 47. Identifiers: Orphanet 502434, MedGen C4539951, MONDO:0030912, OMIM 617635.

Submission:

MGZ Medical Genetics Center
Classification: Likely pathogenic for Intellectual developmental disorder, autosomal dominant 47. Last evaluated: 2022-08-05. Review status: criteria provided, single submitter. Criteria: ACMG Guidelines, 2015. Collection method: clinical testing. Allele origin: germline. Affected: yes. Observed: 1 variant allele.
Comment: ACMG criteria applied: PVS1, PM2_SUP

NM_005862.3(STAG1):c.1716dup (p.Ile573fs)

Gene: STAG1 (STAG1 cohesin complex component; minus strand). Cytogenetic location: 3q22.3.
Variant type: Duplication.
Coding change: c.1716dup on transcript NM_005862.3 (MANE Select); coding-DNA position 1716, one base duplicated (T; older notation c.1716dupT).
Protein change: p.Ile573fs; shifts the reading frame from isoleucine 573.
Molecular consequence: frameshift variant.
Genome position (GRCh38, 1-based): chr3:136,422,979, A duplicated on the plus strand (T on the coding strand, the reverse complement: STAG1 is on the minus strand); the first of 2 consecutive A bases (chr3:136,422,979-136,422,980); duplicating either gives the same sequence. VCF-style (leftmost placement, unchanged base first): chr3-136422978-T-TA. GRCh37 (hg19) VCF-style: chr3-136141820-T-TA.
Other names: short protein forms I573fs.
Identifiers: ClinVar variation 1709726 (VCV001709726.2), dbSNP rs2530398321, ClinGen allele CA2580068826.